The following is an entry in ClinVar:

NM_020738.4(KIDINS220):c.1782T>G (p.Pro594=)

Gene: KIDINS220 (kinase D interacting substrate 220; minus strand). Cytogenetic location: 2p25.1.
Variant type: single nucleotide variant.
Coding change: c.1782T>G on transcript NM_020738.4 (MANE Select); coding-DNA position 1782, T replaced by G.
Protein change: p.Pro594=; no amino-acid change (proline 594 retained).
Molecular consequence: synonymous variant. On other transcripts: non-coding transcript variant (2).
Genome position (GRCh38, 1-based): chr2:8,788,652, A>C on the plus strand (T>G on the coding strand, the complement: KIDINS220 is on the minus strand). VCF-style: chr2-8788652-A-C. GRCh37 (hg19) VCF-style: chr2-8928782-A-C.
Other names: c.1782T>G (NM_020738.2); c.1785T>G, p.Pro595= (NM_001348729.2, NM_001348731.2, NM_001348734.2 and 3 more transcripts); c.1782T>G, p.Pro594= (NM_001348732.2, NM_001348735.2, NM_001348738.2 and 3 more transcripts); c.1656T>G, p.Pro552= (NM_001348736.2).
Identifiers: ClinVar variation 1515881 (VCV001515881.7), dbSNP rs376216731, ClinGen allele CA1520109.

ClinVar aggregate classification (germline): Likely benign. Review status: criteria provided, single submitter (1 of 4 stars). 2 submissions from 2 submitters: Likely benign (1). 1 of the submissions does not count toward it. Last evaluated 2025-11-10.

Conditions:
KIDINS220-related disorder. Also called: KIDINS220-related condition.

Allele frequency attached by ClinVar (database versions not stated): ExAC 0.00001; gnomAD exomes 0.00002 and 0.00005; gnomAD 0.00003; TOPMed 0.00004; ESP Exome Variant Server 0.00008.
gnomAD v4.1: 75 of 1,611,728 alleles (0.0047%); highest among the groups gnomAD compares: Admixed American, 0.0067%; no homozygotes.

Submissions (2):

Labcorp Genetics (formerly Invitae), Labcorp
Classification: Likely benign. Last evaluated: 2025-11-10. Review status: criteria provided, single submitter. Criteria: Invitae Variant Classification Sherloc (09022015). Collection method: clinical testing. Allele origin: germline.

PreventionGenetics, part of Exact Sciences
Classification: Uncertain significance for KIDINS220-related condition. Last evaluated: 2024-06-04. Review status: no assertion criteria provided. Collection method: clinical testing. Allele origin: germline. Not counted in ClinVar's aggregate classification.
Comment: The KIDINS220 c.1782T>G variant is not predicted to result in an amino acid change (p.=). This variant is predicted to introduce a cryptic splice donor site within exon 15, based on available splicing prediction programs (SpliceAI, Jaganathan et al. 2019. PubMed ID: 30661751). To our knowledge, this variant has not been reported in the literature. This variant is reported in 0.0030% of alleles in individuals of Latino descent in gnomAD. At this time, the clinical significance of this variant is uncertain due to the absence of conclusive functional and genetic evidence.